The following is an entry in ClinVar:

NM_000090.4(COL3A1):c.290G>T (p.Arg97Leu)

Gene: COL3A1 (collagen type III alpha 1 chain; plus strand). Cytogenetic location: 2q32.2.
Variant type: single nucleotide variant.
Coding change: c.290G>T on transcript NM_000090.4 (MANE Select); coding-DNA position 290, G replaced by T.
Protein change: p.Arg97Leu; replaces arginine 97 with leucine.
Molecular consequence: missense variant.
Genome position (GRCh38, 1-based): chr2:188,985,204, G>T. VCF-style: chr2-188985204-G-T. GRCh37 (hg19) VCF-style: chr2-189849930-G-T.
Other names: short protein forms R97L.
Identifiers: ClinVar variation 628670 (VCV000628670.16), dbSNP rs1197947308, ClinGen allele CA349847523.

ClinVar aggregate classification (germline): Uncertain significance. Review status: criteria provided, multiple submitters, no conflicts (2 of 4 stars). 3 submissions from 3 submitters: Uncertain significance (3). Last evaluated 2024-03-06.

Conditions:
Familial thoracic aortic aneurysm and aortic dissection (TAAD). Also called: Thoracic aortic aneurysms and dissections. Identifiers: Orphanet 91387, MedGen C4707243, MONDO:0019625.
Ehlers-Danlos syndrome, type 4 (EDSVASC). Also called: Ehlers-Danlos syndrome vascular type; Ehlers Danlos syndrome, ecchymotic type; Ehlers Danlos syndrome, arterial type; Ehlers Danlos syndrome, Sack-Barabas type; Ehlers-Danlos Syndrome Type IV. Identifiers: Orphanet 286, MedGen C0268338, MONDO:0017314, OMIM 130050.

Allele frequency attached by ClinVar (database versions not stated): TOPMed 0.00001.
gnomAD v4.1: 6 of 1,612,106 alleles (0.00037%); highest among the groups gnomAD compares: East Asian, 0.0022%; no homozygotes.

Submissions (3):

Color Diagnostics, LLC DBA Color Health
Classification: Uncertain significance for Familial thoracic aortic aneurysm and aortic dissection. Last evaluated: 2024-03-06. Review status: criteria provided, single submitter. Criteria: ACMG Guidelines, 2015. Collection method: clinical testing. Allele origin: germline.
Comment: This missense variant replaces arginine with leucine at codon 97 of the COL3A1 protein. Computational prediction suggests that this variant may not impact protein structure and function (internally defined REVEL score threshold <= 0.5, PMID: 27666373). To our knowledge, functional studies have not been reported for this variant. This variant has not been reported in individuals affected with COL3A1-related disorders in the literature. This variant has not been identified in the general population by the Genome Aggregation Database (gnomAD). The available evidence is insufficient to determine the role of this variant in disease conclusively. Therefore, this variant is classified as a Variant of Uncertain Significance.

All of Us Research Program, National Institutes of Health
Classification: Uncertain significance for Ehlers-Danlos syndrome, type 4. Last evaluated: 2023-06-26. Review status: criteria provided, single submitter. Criteria: ACMG Guidelines, 2015. Collection method: clinical testing. Allele origin: germline. Inheritance: Autosomal dominant inheritance. Observed: 1 variant allele, 1 heterozygote.
Comment: This missense variant replaces arginine with leucine at codon 97 of the COL3A1 protein. Computational prediction tools and conservation analyses suggest that this variant may not impact the protein function. Computational splicing tools suggest that this variant may not impact RNA splicing. To our knowledge, functional assays have not been performed for this variant nor has this variant been reported in individuals affected with cardiovascular disorders in the literature. This variant has not been identified in the general population by the Genome Aggregation Database (gnomAD). Available evidence is insufficient to determine the role of this variant in disease conclusively. Therefore, this variant is classified as a Variant of Uncertain Significance.

This study involves interpretation of variants in research participants for the purpose of population health screening. Participant phenotype was not available at the time of variant classification. Additional details can be found in publication PMID: 35346344, PMCID: PMC8962531

Labcorp Genetics (formerly Invitae), Labcorp
Classification: Uncertain significance for Ehlers-Danlos syndrome, type 4. Last evaluated: 2019-01-14. Review status: criteria provided, single submitter. Criteria: Invitae Variant Classification Sherloc (09022015). Collection method: clinical testing. Allele origin: germline.
Comment: This sequence change replaces arginine with leucine at codon 97 of the COL3A1 protein (p.Arg97Leu). The arginine residue is weakly conserved and there is a moderate physicochemical difference between arginine and leucine. This variant is not present in population databases (ExAC no frequency). This variant has not been reported in the literature in individuals with COL3A1-related conditions. Algorithms developed to predict the effect of missense changes on protein structure and function are either unavailable or do not agree on the potential impact of this missense change (SIFT: "Tolerated"; PolyPhen-2: "Not Available"; Align-GVGD: "Class C0"). In summary, the available evidence is currently insufficient to determine the role of this variant in disease. Therefore, it has been classified as a Variant of Uncertain Significance.